The following is an entry in ClinVar:

NM_001253.4(CDC5L):c.237A>G (p.Pro79=)

Gene: CDC5L (cell division cycle 5 like; plus strand). Cytogenetic location: 6p21.1.
Variant type: single nucleotide variant.
Coding change: c.237A>G on transcript NM_001253.4 (MANE Select); coding-DNA position 237, A replaced by G.
Protein change: p.Pro79=; no amino-acid change (proline 79 retained).
Molecular consequence: synonymous variant.
Genome position (GRCh38, 1-based): chr6:44,392,754, A>G. VCF-style: chr6-44392754-A-G. GRCh37 (hg19) VCF-style: chr6-44360491-A-G.
Identifiers: ClinVar variation 3031500 (VCV003031500.2), dbSNP rs556847454, ClinGen allele CA3835171.

ClinVar aggregate classification (germline): Likely benign (0 of 4 stars; one submission).

Conditions:
CDC5L-related disorder. Also called: CDC5L-related condition.

Allele frequency attached by ClinVar (database versions not stated): gnomAD 0.00001; gnomAD exomes 0.00001; ExAC 0.00006; 1000 Genomes Project 30x 0.00016; 1000 Genomes Project 0.00020.
gnomAD v4.1: 20 of 1,614,216 alleles (0.0012%); highest among the groups gnomAD compares: South Asian, 0.022%; 1 homozygote.

Submission:

PreventionGenetics, part of Exact Sciences
Classification: Likely benign for CDC5L-related condition. Last evaluated: 2021-03-05. Review status: no assertion criteria provided. Collection method: clinical testing. Allele origin: germline.
Comment: This variant is classified as likely benign based on ACMG/AMP sequence variant interpretation guidelines (Richards et al. 2015 PMID: 25741868, with internal and published modifications).